The following is an entry in ClinVar:

NM_004369.4(COL6A3):c.8193A>C (p.Pro2731=)

Gene: COL6A3 (collagen type VI alpha 3 chain; minus strand). Cytogenetic location: 2q37.3.
Variant type: single nucleotide variant.
Coding change: c.8193A>C on transcript NM_004369.4 (MANE Select); coding-DNA position 8193, A replaced by C.
Protein change: p.Pro2731=; no amino-acid change (proline 2731 retained).
Molecular consequence: synonymous variant.
Genome position (GRCh38, 1-based): chr2:237,340,723, T>G on the plus strand (A>C on the coding strand, the complement: COL6A3 is on the minus strand). VCF-style: chr2-237340723-T-G. GRCh37 (hg19) VCF-style: chr2-238249366-T-G.
Other names: c.6372A>C, p.Pro2124= (NM_057166.5); c.7575A>C, p.Pro2525= (NM_057167.4).
Identifiers: ClinVar variation 288516 (VCV000288516.46), dbSNP rs140441798, ClinGen allele CA2187605.

ClinVar aggregate classification (germline): Conflicting classifications of pathogenicity. Review status: criteria provided, conflicting classifications (1 of 4 stars). 6 submissions from 6 submitters: Uncertain significance (1); Benign (1); Likely benign (3). 1 of the submissions does not count toward it. Last evaluated 2025-12-01.

Conditions:
COL6A3-related disorder. Also called: COL6A3-related disorders; COL6A3-related condition.
Collagen 6-related myopathy. Identifiers: MedGen CN117976, MONDO:0100225.
Bethlem myopathy 1A. Also called: Bethlem myopathy 1; Bethlem Muscular Dystrophy; MYOPATHY, BENIGN CONGENITAL, WITH CONTRACTURES. Identifiers: Orphanet 610, MedGen CN029274, MONDO:0024530, OMIM 158810.

Allele frequency attached by ClinVar (database versions not stated): TOPMed 0.00025; gnomAD 0.00030 and 0.00039; gnomAD exomes 0.00032; ExAC 0.00037; 1000 Genomes Project 0.00040; ESP Exome Variant Server 0.00046; 1000 Genomes Project 30x 0.00047.
gnomAD v4.1: 836 of 1,614,106 alleles (0.052%); highest among the groups gnomAD compares: South Asian, 0.14%; 3 homozygotes.

Submissions (6):

Labcorp Genetics (formerly Invitae), Labcorp
Classification: Likely benign for Bethlem myopathy 1A. Last evaluated: 2025-12-01. Review status: criteria provided, single submitter. Criteria: Invitae Variant Classification Sherloc (09022015). Collection method: clinical testing. Allele origin: germline.

CeGaT Center for Human Genetics Tuebingen
Classification: Likely benign. Last evaluated: 2025-09-01. Review status: criteria provided, single submitter. Criteria: CeGaT Center For Human Genetics Tuebingen Variant Classification Criteria Version 2. Collection method: clinical testing. Allele origin: germline. Affected: yes. Observed: 2 variant alleles.
Comment: COL6A3: BP4, BP7

GeneDx
Classification: Likely benign. Last evaluated: 2019-05-07. Review status: criteria provided, single submitter. Criteria: GeneDx Variant Classification Process June 2021. Collection method: clinical testing. Allele origin: germline. Affected: yes.

Eurofins Ntd Llc (ga)
Classification: Uncertain significance. Last evaluated: 2018-07-10. Review status: criteria provided, single submitter. Criteria: EGL ClinVar v180209 classification definitions. Collection method: clinical testing. Allele origin: germline. Observed: 8 variant alleles, 8 heterozygotes.

Illumina Laboratory Services, Illumina
Classification: Benign for Collagen VI-related myopathy. Last evaluated: 2018-01-12. Review status: criteria provided, single submitter. Criteria: ICSL Variant Classification Criteria 13 December 2019. Collection method: clinical testing. Allele origin: germline.
Comment: This variant was observed in the ICSL laboratory as part of a predisposition screen in an ostensibly healthy population. It had not been previously curated by ICSL or reported in the Human Gene Mutation Database (HGMD: prior to June 1st, 2018), and was therefore a candidate for classification through an automated scoring system. Utilizing variant allele frequency, disease prevalence and penetrance estimates, and inheritance mode, an automated score was calculated to assess if this variant is too frequent to cause the disease. Based on the score and internal cut-off values, a variant classified as benign is not then subjected to further curation. The score for this variant resulted in a classification of benign for this disease.

PreventionGenetics, part of Exact Sciences
Classification: Likely benign for COL6A3-related condition. Last evaluated: 2024-02-26. Review status: no assertion criteria provided. Collection method: clinical testing. Allele origin: germline. Not counted in ClinVar's aggregate classification.
Comment: This variant is classified as likely benign based on ACMG/AMP sequence variant interpretation guidelines (Richards et al. 2015 PMID: 25741868, with internal and published modifications).